The following is an entry in ClinVar:

ClinVar aggregate classification (germline): Likely benign. Review status: criteria provided, multiple submitters, no conflicts (2 of 4 stars). 2 submissions from 2 submitters: Likely benign (2). Last evaluated 2024-08-13.

Conditions:
Catecholaminergic polymorphic ventricular tachycardia (CVPT). Also called: Catecholamine-induced polymorphic ventricular tachycardia. Identifiers: Orphanet 3286, MedGen C5574922, MONDO:0017990.
Cardiomyopathy (CMYO). Also called: Cardiomyopathies. Identifiers: Orphanet 167848, MedGen C0878544, MONDO:0004994, HP:0001638. Inheritance: Various modes of inheritance.

Submissions (2):

All of Us Research Program, National Institutes of Health
Classification: Likely benign for Catecholaminergic polymorphic ventricular tachycardia. Last evaluated: 2024-08-13. Review status: criteria provided, single submitter. Criteria: ACMG Guidelines, 2015. Collection method: clinical testing. Allele origin: germline. Inheritance: Autosomal dominant inheritance. Observed: 1 variant allele, 1 heterozygote.
Comment: This study involves interpretation of variants in research participants for the purpose of population health screening. Participant phenotype was not available at the time of variant classification. Additional details can be found in publication PMID: 35346344, PMCID: PMC8962531

Color Diagnostics, LLC DBA Color Health
Classification: Likely benign for Cardiomyopathy. Last evaluated: 2018-11-16. Review status: criteria provided, single submitter. Criteria: ACMG Guidelines, 2015. Collection method: clinical testing. Allele origin: germline.

NM_001035.3(RYR2):c.14434-5dup

Gene: RYR2 (ryanodine receptor 2; plus strand). Cytogenetic location: 1q43.
Variant type: Duplication.
Coding change: c.14434-5dup on transcript NM_001035.3 (MANE Select); 5 bases into the intron before coding-DNA position 14434, one base duplicated (T; older notation c.14434-5dupT).
Molecular consequence: intron variant.
Genome position (GRCh38, 1-based): chr1:237,819,031, T duplicated; the last of 6 consecutive T bases (chr1:237,819,026-237,819,031); duplicating any one gives the same sequence. VCF-style (leftmost placement, unchanged base first): chr1-237819025-C-CT. GRCh37 (hg19) VCF-style: chr1-237982325-C-CT.
Identifiers: ClinVar variation 921906 (VCV000921906.3), dbSNP rs1662145037, ClinGen allele CA913188266.